The following is an entry in ClinVar:

ClinVar aggregate classification (germline): Uncertain significance (1 of 4 stars; one submission).

Allele frequency attached by ClinVar (database versions not stated): gnomAD 0.00001; ExAC 0.00002.
gnomAD v4.1: 7 of 1,600,146 alleles (0.00044%); highest among the groups gnomAD compares: Admixed American, 0.0017%; no homozygotes.

Submission:

Labcorp Genetics (formerly Invitae), Labcorp
Classification: Uncertain significance. Last evaluated: 2023-06-27. Review status: criteria provided, single submitter. Criteria: Invitae Variant Classification Sherloc (09022015). Collection method: clinical testing. Allele origin: germline.
Comment: In summary, the available evidence is currently insufficient to determine the role of this variant in disease. Therefore, it has been classified as a Variant of Uncertain Significance. Advanced modeling of protein sequence and biophysical properties (such as structural, functional, and spatial information, amino acid conservation, physicochemical variation, residue mobility, and thermodynamic stability) performed at Invitae indicates that this missense variant is not expected to disrupt MYO7A protein function. This variant has not been reported in the literature in individuals affected with MYO7A-related conditions. This variant is present in population databases (rs749327145, gnomAD 0.005%). This sequence change replaces threonine, which is neutral and polar, with asparagine, which is neutral and polar, at codon 1271 of the MYO7A protein (p.Thr1271Asn).

NM_000260.4(MYO7A):c.3812C>A (p.Thr1271Asn)

Gene: MYO7A (myosin VIIA; plus strand). Cytogenetic location: 11q13.5.
Variant type: single nucleotide variant.
Coding change: c.3812C>A on transcript NM_000260.4 (MANE Select); coding-DNA position 3812, C replaced by A.
Protein change: p.Thr1271Asn; replaces threonine 1271 with asparagine.
Molecular consequence: missense variant.
Genome position (GRCh38, 1-based): chr11:77,190,758, C>A. VCF-style: chr11-77190758-C-A. GRCh37 (hg19) VCF-style: chr11-76901803-C-A.
Other names: c.3812C>A, p.Thr1271Asn (NM_001127180.2); c.3779C>A, p.Thr1260Asn (NM_001369365.1); short protein forms T1260N, T1271N.
Identifiers: ClinVar variation 2739876 (VCV002739876.3), dbSNP rs749327145, ClinGen allele CA6198207.